The following is an entry in ClinVar:

NM_001387844.1(PRRC2C):c.2447dup (p.His816fs)

Gene: PRRC2C (proline rich coiled-coil 2C; plus strand). Cytogenetic location: 1q24.3.
Variant type: Duplication.
Coding change: c.2447dup on transcript NM_001387844.1 (MANE Select); coding-DNA position 2447, one base duplicated (A; older notation c.2447dupA).
Protein change: p.His816fs; shifts the reading frame from histidine 816.
Molecular consequence: frameshift variant.
Genome position (GRCh38, 1-based): chr1:171,537,416, A duplicated. VCF-style (leftmost placement, unchanged base first): chr1-171537415-C-CA. GRCh37 (hg19) VCF-style: chr1-171506554-C-CA.
Other names: c.2441dup, p.His814fs (NM_015172.4); short protein forms H814fs, H816fs.
Identifiers: ClinVar variation 2505193 (VCV002505193.1), dbSNP rs2527413107, ClinGen allele CA2580611509.

ClinVar aggregate classification (germline): Uncertain significance (1 of 4 stars; one submission).

Submission:

Greenwood Genetic Center Diagnostic Laboratories, Greenwood Genetic Center
Classification: Uncertain significance. Last evaluated: 2023-03-03. Review status: criteria provided, single submitter. Criteria: ACMG Guidelines, 2015. Collection method: clinical testing. Allele origin: germline. Affected: yes.
Comment: Gene of Uncertain Significance